The following is an entry in ClinVar:

ClinVar aggregate classification (germline): Pathogenic (1 of 4 stars; one submission).

Conditions:
Mucolipidosis type II. Also called: ML II ALPHA/BETA; Mucolipidosis 2; ML 2; Inclusion cell disease; Leroy Disease; N-acetylglucosamine 1phosphotransferase deficiency. Identifiers: Orphanet 576, MedGen C2673377, MONDO:0009650, OMIM 252500.
Pseudo-Hurler polydystrophy. Also called: ML III; ML III ALPHA/BETA; Type III Mucolipidosis; ML IIIA; Mucolipidosis III Alpha/Beta; MUCOLIPIDOSIS IIIA. Identifiers: Orphanet 423461, Orphanet 577, MedGen C0033788, MONDO:0018931, OMIM 252600.

Submission:

Labcorp Genetics (formerly Invitae), Labcorp
Classification: Pathogenic for Pseudo-Hurler polydystrophy; Mucolipidosis type II. Last evaluated: 2024-01-14. Review status: criteria provided, single submitter. Criteria: Invitae Variant Classification Sherloc (09022015). Collection method: clinical testing. Allele origin: germline.
Comment: This sequence change creates a premature translational stop signal (p.Tyr649*) in the GNPTAB gene. It is expected to result in an absent or disrupted protein product. Loss-of-function variants in GNPTAB are known to be pathogenic (PMID: 19617216, 25107912). This variant is not present in population databases (gnomAD no frequency). This premature translational stop signal has been observed in individual(s) with mucolipidosis (PMID: 30882951). For these reasons, this variant has been classified as Pathogenic.

Literature cited by the submitters: PubMed 19617216; PubMed 25107912; PubMed 30882951.

NM_024312.5(GNPTAB):c.1946dup (p.Tyr649Ter)

Gene: GNPTAB (N-acetylglucosamine-1-phosphate transferase subunits alpha and beta; minus strand). Cytogenetic location: 12q23.2.
Variant type: Duplication.
Coding change: c.1946dup on transcript NM_024312.5 (MANE Select); coding-DNA position 1946, one base duplicated (A; older notation c.1946dupA).
Protein change: p.Tyr649Ter; replaces tyrosine 649 with a stop codon.
Molecular consequence: nonsense.
Genome position (GRCh38, 1-based): chr12:101,764,971, T duplicated on the plus strand (A on the coding strand, the reverse complement: GNPTAB is on the minus strand). VCF-style (leftmost placement, unchanged base first): chr12-101764970-G-GT. GRCh37 (hg19) VCF-style: chr12-102158748-G-GT.
Other names: short protein forms Y649*.
Identifiers: ClinVar variation 2931850 (VCV002931850.3), dbSNP rs2547957658, ClinGen allele CA2695217206.